The following is an entry in ClinVar:

ClinVar aggregate classification (germline): Uncertain significance (1 of 4 stars; one submission).

Conditions:
Hereditary cancer-predisposing syndrome. Also called: Hereditary neoplastic syndrome; Neoplastic Syndromes, Hereditary; Tumor predisposition; Hereditary Cancer Syndrome. Identifiers: Orphanet 140162, MedGen C0027672, MeSH D009386, MONDO:0015356.

Submission:

Ambry Genetics
Classification: Uncertain significance for Hereditary cancer-predisposing syndrome. Last evaluated: 2025-08-27. Review status: criteria provided, single submitter. Criteria: Ambry Variant Classification Scheme 2023. Collection method: clinical testing. Allele origin: germline.
Comment: The p.M121K variant (also known as c.362T>A), located in coding exon 4 of the MUTYH gene, results from a T to A substitution at nucleotide position 362. The methionine at codon 121 is replaced by lysine, an amino acid with similar properties. This amino acid position is conserved. In addition, this alteration is predicted to be tolerated by in silico analysis. Based on the available evidence, the clinical significance of this variant remains unclear.

NM_001048174.2(MUTYH):c.278T>A (p.Met93Lys)

Gene: MUTYH (mutY DNA glycosylase; minus strand). Cytogenetic location: 1p34.1.
Variant type: single nucleotide variant.
Coding change: c.278T>A on transcript NM_001048174.2 (MANE Select); coding-DNA position 278, T replaced by A.
Protein change: p.Met93Lys; replaces methionine 93 with lysine.
Molecular consequence: missense variant. On other transcripts: initiator codon variant (3), non-coding transcript variant (7).
Genome position (GRCh38, 1-based): chr1:45,333,311, A>T on the plus strand (T>A on the coding strand, the complement: MUTYH is on the minus strand). VCF-style: chr1-45333311-A-T. GRCh37 (hg19) VCF-style: chr1-45798983-A-T.
Other names: c.278T>A, p.Met93Lys (NM_001048171.2, NM_001048173.2, NM_001293195.2 and 6 more transcripts); c.281T>A, p.Met94Lys (NM_001048172.2, NM_001407071.1, NM_001407078.1 and 2 more transcripts); c.362T>A, p.Met121Lys (NM_001128425.2); c.323T>A, p.Met108Lys (NM_001293190.2); c.311T>A, p.Met104Lys (NM_001293191.2, NM_001407077.1); c.2T>A, p.Met1Lys (NM_001293192.2, NM_001293196.2, NM_001407091.1); c.7T>A, p.Trp3Arg (NM_001350650.2, NM_001350651.2, NM_001407082.1); c.353T>A, p.Met118Lys (NM_001407069.1, NM_012222.3); and 3 more; short protein forms M104K, M108K, W3R, M121K, M1K, M65K, M93K, M100K.
Identifiers: ClinVar variation 4113629 (VCV004113629.1).